The following is an entry in ClinVar:

NM_000059.4(BRCA2):c.7492A>T (p.Lys2498Ter)

Gene: BRCA2 (BRCA2 DNA repair associated; plus strand). Cytogenetic location: 13q13.1.
Variant type: single nucleotide variant.
Coding change: c.7492A>T on transcript NM_000059.4 (MANE Select); coding-DNA position 7492, A replaced by T.
Protein change: p.Lys2498Ter; replaces lysine 2498 with a stop codon.
Molecular consequence: nonsense. On other transcripts: non-coding transcript variant (1).
Genome position (GRCh38, 1-based): chr13:32,356,484, A>T. VCF-style: chr13-32356484-A-T. GRCh37 (hg19) VCF-style: chr13-32930621-A-T.
Other names: c.7396A>T, p.Lys2466Ter (NM_001406719.1); c.7492A>T, p.Lys2498Ter (NM_001406720.1); c.2560A>T, p.Lys854Ter (NM_001406721.1); c.1075A>T, p.Lys359Ter (NM_001406722.1); short protein forms K2466*, K2498*, K359*, K854*.
Identifiers: ClinVar variation 2674479 (VCV002674479.1), dbSNP rs2548541409, ClinGen allele CA387743363.

ClinVar aggregate classification (germline): Pathogenic (1 of 4 stars; one submission).

Conditions:
Breast-ovarian cancer, familial, susceptibility to, 2 (BROVCA2). Also called: BRCA2 Hereditary Breast and Ovarian Cancer. Identifiers: Orphanet 145, MedGen C2675520, MONDO:0012933, OMIM 612555. Disease mechanism: loss of function.

Submission:

Myriad Genetics, Inc.
Classification: Pathogenic for Breast-ovarian cancer, familial, susceptibility to, 2. Last evaluated: 2023-09-14. Review status: criteria provided, single submitter. Criteria: Myriad Autosomal Dominant, Autosomal Recessive and X-Linked Classification Criteria (2023). Collection method: clinical testing. Allele origin: unknown.
Comment: This variant is considered pathogenic. This variant creates a termination codon and is predicted to result in premature protein truncation.